The following is an entry in ClinVar:

NM_000090.4(COL3A1):c.3538C>T (p.His1180Tyr)

Gene: COL3A1 (collagen type III alpha 1 chain; plus strand). Cytogenetic location: 2q32.2.
Variant type: single nucleotide variant.
Coding change: c.3538C>T on transcript NM_000090.4 (MANE Select); coding-DNA position 3538, C replaced by T.
Protein change: p.His1180Tyr; replaces histidine 1180 with tyrosine.
Molecular consequence: missense variant.
Genome position (GRCh38, 1-based): chr2:189,008,936, C>T. VCF-style: chr2-189008936-C-T. GRCh37 (hg19) VCF-style: chr2-189873662-C-T.
Other names: short protein forms H1180Y.
Identifiers: ClinVar variation 2977593 (VCV002977593.3), dbSNP rs2153504074, ClinGen allele CA349846597.

ClinVar aggregate classification (germline): Uncertain significance (1 of 4 stars; one submission).

Conditions:
Ehlers-Danlos syndrome, type 4 (EDSVASC). Also called: Ehlers-Danlos syndrome vascular type; Ehlers Danlos syndrome, ecchymotic type; Ehlers Danlos syndrome, arterial type; Ehlers Danlos syndrome, Sack-Barabas type; Ehlers-Danlos Syndrome Type IV. Identifiers: Orphanet 286, MedGen C0268338, MONDO:0017314, OMIM 130050.

Submission:

Labcorp Genetics (formerly Invitae), Labcorp
Classification: Uncertain significance for Ehlers-Danlos syndrome, type 4. Last evaluated: 2023-07-06. Review status: criteria provided, single submitter. Criteria: Invitae Variant Classification Sherloc (09022015). Collection method: clinical testing. Allele origin: germline.
Comment: This variant is not present in population databases (gnomAD no frequency). This sequence change replaces histidine, which is basic and polar, with tyrosine, which is neutral and polar, at codon 1180 of the COL3A1 protein (p.His1180Tyr). This variant has not been reported in the literature in individuals affected with COL3A1-related conditions. Advanced modeling of protein sequence and biophysical properties (such as structural, functional, and spatial information, amino acid conservation, physicochemical variation, residue mobility, and thermodynamic stability) performed at Invitae indicates that this missense variant is not expected to disrupt COL3A1 protein function. In summary, the available evidence is currently insufficient to determine the role of this variant in disease. Therefore, it has been classified as a Variant of Uncertain Significance.